The following is an entry in ClinVar:

NM_000111.3(SLC26A3):c.2275C>T (p.Pro759Ser)

Gene: SLC26A3 (solute carrier family 26 member 3; minus strand). Cytogenetic location: 7q22.3.
Variant type: single nucleotide variant.
Coding change: c.2275C>T on transcript NM_000111.3 (MANE Select); coding-DNA position 2275, C replaced by T.
Protein change: p.Pro759Ser; replaces proline 759 with serine.
Molecular consequence: missense variant.
Genome position (GRCh38, 1-based): chr7:107,765,875, G>A on the plus strand (C>T on the coding strand, the complement: SLC26A3 is on the minus strand). VCF-style: chr7-107765875-G-A. GRCh37 (hg19) VCF-style: chr7-107406320-G-A.
Other names: short protein forms P759S.
Identifiers: ClinVar variation 1020901 (VCV001020901.7), dbSNP rs369916664, ClinGen allele CA4433501.

ClinVar aggregate classification (germline): Uncertain significance (1 of 4 stars; one submission).

Allele frequency attached by ClinVar (database versions not stated): gnomAD exomes below 0.00001 and 0.00001; ExAC 0.00002; gnomAD 0.00003; TOPMed 0.00004; ESP Exome Variant Server 0.00015.
gnomAD v4.1: 15 of 1,610,460 alleles (0.00093%); highest among the groups gnomAD compares: Non-Finnish European, 0.0013%; no homozygotes.

Submission:

Labcorp Genetics (formerly Invitae), Labcorp
Classification: Uncertain significance. Last evaluated: 2024-08-31. Review status: criteria provided, single submitter. Criteria: Invitae Variant Classification Sherloc (09022015). Collection method: clinical testing. Allele origin: germline.
Comment: This sequence change replaces proline, which is neutral and non-polar, with serine, which is neutral and polar, at codon 759 of the SLC26A3 protein (p.Pro759Ser). This variant is present in population databases (rs369916664, gnomAD 0.002%). This variant has not been reported in the literature in individuals affected with SLC26A3-related conditions. ClinVar contains an entry for this variant (Variation ID: 1020901). An algorithm developed to predict the effect of missense changes on protein structure and function outputs the following: PolyPhen-2: "Benign". The serine amino acid residue is found in multiple mammalian species, which suggests that this missense change does not adversely affect protein function. In summary, the available evidence is currently insufficient to determine the role of this variant in disease. Therefore, it has been classified as a Variant of Uncertain Significance.